The following is an entry in ClinVar:

ClinVar aggregate classification (germline): Uncertain significance (1 of 4 stars; one submission).

Conditions:
Cardiovascular phenotype. Identifiers: MedGen CN230736.

Allele frequency attached by ClinVar (database versions not stated): gnomAD exomes below 0.00001; TOPMed 0.00001.
gnomAD v4.1: 1 of 1,614,104 alleles (0.000062%); highest among the groups gnomAD compares: African/African-American, 0.0013%; no homozygotes.

Submission:

Ambry Genetics
Classification: Uncertain significance for Cardiovascular phenotype. Last evaluated: 2021-06-07. Review status: criteria provided, single submitter. Criteria: Ambry Variant Classification Scheme 2023. Collection method: clinical testing. Allele origin: germline.
Comment: The p.H2601R variant (also known as c.7802A>G), located in coding exon 10 of the ALMS1 gene, results from an A to G substitution at nucleotide position 7802. The histidine at codon 2601 is replaced by arginine, an amino acid with highly similar properties. This amino acid position is well conserved in available vertebrate species. In addition, this alteration is predicted to be tolerated by in silico analysis. Since supporting evidence is limited at this time, the clinical significance of this alteration remains unclear.

NM_001378454.1(ALMS1):c.7799A>G (p.His2600Arg)

Gene: ALMS1 (ALMS1 centrosome and basal body associated protein; plus strand). Cytogenetic location: 2p13.1.
Variant type: single nucleotide variant.
Coding change: c.7799A>G on transcript NM_001378454.1 (MANE Select); coding-DNA position 7799, A replaced by G.
Protein change: p.His2600Arg; replaces histidine 2600 with arginine.
Molecular consequence: missense variant.
Genome position (GRCh38, 1-based): chr2:73,489,758, A>G. VCF-style: chr2-73489758-A-G. GRCh37 (hg19) VCF-style: chr2-73716885-A-G.
Other names: c.7802A>G, p.His2601Arg (NM_015120.4); short protein forms H2601R, H2600R.
Identifiers: ClinVar variation 1760698 (VCV001760698.2), dbSNP rs1345842508, ClinGen allele CA347264091.